The following is an entry in ClinVar:

NM_006231.4(POLE):c.286G>C (p.Val96Leu)

Gene: POLE (DNA polymerase epsilon, catalytic subunit; minus strand). Cytogenetic location: 12q24.33.
Variant type: single nucleotide variant.
Coding change: c.286G>C on transcript NM_006231.4 (MANE Select); coding-DNA position 286, G replaced by C.
Protein change: p.Val96Leu; replaces valine 96 with leucine.
Molecular consequence: missense variant.
Genome position (GRCh38, 1-based): chr12:132,680,222, C>G on the plus strand (G>C on the coding strand, the complement: POLE is on the minus strand). VCF-style: chr12-132680222-C-G. GRCh37 (hg19) VCF-style: chr12-133256808-C-G.
Other names: short protein forms V96L.
Identifiers: ClinVar variation 3722015 (VCV003722015.2).

ClinVar aggregate classification (germline): Uncertain significance (1 of 4 stars; one submission).

gnomAD v4.1: 1 of 1,613,898 alleles (0.000062%); highest among the groups gnomAD compares: African/African-American, 0.0013%; no homozygotes.

Submission:

Labcorp Genetics (formerly Invitae), Labcorp
Classification: Uncertain significance. Last evaluated: 2024-10-02. Review status: criteria provided, single submitter. Criteria: Invitae Variant Classification Sherloc (09022015). Collection method: clinical testing. Allele origin: germline.
Comment: This sequence change replaces valine, which is neutral and non-polar, with leucine, which is neutral and non-polar, at codon 96 of the POLE protein (p.Val96Leu). This variant is not present in population databases (gnomAD no frequency). This variant has not been reported in the literature in individuals affected with POLE-related conditions. An algorithm developed to predict the effect of missense changes on protein structure and function (PolyPhen-2) suggests that this variant is likely to be tolerated. In summary, the available evidence is currently insufficient to determine the role of this variant in disease. Therefore, it has been classified as a Variant of Uncertain Significance.